The following is an entry in ClinVar:

ClinVar aggregate classification (germline): Benign (1 of 4 stars; one submission).

Allele frequency attached by ClinVar (database versions not stated): 1000 Genomes Project 0.50699; 1000 Genomes Project 30x 0.51015; gnomAD 0.51309; TOPMed 0.51556; gnomAD exomes 0.33333.
gnomAD v4.1: 77,965 of 152,024 alleles (51%); highest among the groups gnomAD compares: African/African-American, 63%; 20,482 homozygotes.

Submission:

Unidad de Genómica Garrahan, Hospital de Pediatría Garrahan
Classification: Benign. Last evaluated: 2024-01-24. Review status: criteria provided, single submitter. Criteria: ACMG Guidelines, 2015. Collection method: clinical testing. Allele origin: germline. Affected: no. Observed: 50 variant alleles.
Comment: This variant is classified as Benign based on local population frequency. This variant was detected in 57% of patients studied by a panel of primary immunodeficiencies. Number of patients: 50. Only high quality variants are reported.

NM_001405849.1(IL10RB):c.805-886C>A

Gene: IL10RB (interleukin 10 receptor subunit beta; plus strand). Cytogenetic location: 21q22.11.
Variant type: single nucleotide variant.
Coding change: c.805-886C>A on transcript NM_001405849.1; 886 bases into the intron before coding-DNA position 805, C replaced by A.
Molecular consequence: intron variant.
Genome position (GRCh38, 1-based): chr21:33,308,090, C>A. VCF-style: chr21-33308090-C-A. GRCh37 (hg19) VCF-style: chr21-34680395-C-A.
Other names: c.805-95C>A (NM_001405850.1).
Identifiers: ClinVar variation 2688402 (VCV002688402.2), dbSNP rs2834181, ClinGen allele CA14870300.